The following is an entry in ClinVar:

ClinVar aggregate classification (germline): Uncertain significance. Review status: criteria provided, multiple submitters, no conflicts (2 of 4 stars). 3 submissions from 3 submitters: Uncertain significance (2). 1 of the submissions does not count toward it. Last evaluated 2024-09-03.

Conditions:
LPIN2-related disorder. Also called: LPIN2-related condition.
Majeed syndrome (MJDS). Also called: CHRONIC RECURRENT MULTIFOCAL OSTEOMYELITIS 1, WITH CONGENITAL DYSERYTHROPOIETIC ANEMIA, WITH OR WITHOUT NEUTROPHILIC DERMATOSIS; LPIN2-Related Majeed Syndrome. Identifiers: Orphanet 77297, MedGen C1864997, MONDO:0012316, OMIM 609628.

Allele frequency attached by ClinVar (database versions not stated): ExAC 0.00002; gnomAD exomes 0.00003 and 0.00008; TOPMed 0.00003; gnomAD 0.00005.
gnomAD v4.1: 126 of 1,612,836 alleles (0.0078%); highest among the groups gnomAD compares: Non-Finnish European, 0.01%; no homozygotes.

Submissions (3):

Revvity Omics, Revvity
Classification: Uncertain significance for Majeed syndrome. Last evaluated: 2024-09-03. Review status: criteria provided, single submitter. Criteria: ACMG Guidelines, 2015. Collection method: clinical testing. Allele origin: germline.

Labcorp Genetics (formerly Invitae), Labcorp
Classification: Uncertain significance for Majeed syndrome. Last evaluated: 2022-07-19. Review status: criteria provided, single submitter. Criteria: Invitae Variant Classification Sherloc (09022015). Collection method: clinical testing. Allele origin: germline.
Comment: This sequence change falls in intron 12 of the LPIN2 gene. It does not directly change the encoded amino acid sequence of the LPIN2 protein. It affects a nucleotide within the consensus splice site. This variant is present in population databases (rs753743998, gnomAD 0.008%). This variant has not been reported in the literature in individuals affected with LPIN2-related conditions. ClinVar contains an entry for this variant (Variation ID: 1430426). Variants that disrupt the consensus splice site are a relatively common cause of aberrant splicing (PMID: 17576681, 9536098). Algorithms developed to predict the effect of sequence changes on RNA splicing suggest that this variant is not likely to affect RNA splicing. In summary, the available evidence is currently insufficient to determine the role of this variant in disease. Therefore, it has been classified as a Variant of Uncertain Significance.

PreventionGenetics, part of Exact Sciences
Classification: Likely benign for LPIN2-related condition. Last evaluated: 2019-06-25. Review status: no assertion criteria provided. Collection method: clinical testing. Allele origin: germline. Not counted in ClinVar's aggregate classification.
Comment: This variant is classified as likely benign based on ACMG/AMP sequence variant interpretation guidelines (Richards et al. 2015 PMID: 25741868, with internal and published modifications).

Literature cited by the submitters: PubMed 17576681 (cited by Labcorp Genetics (formerly Invitae), Labcorp); PubMed 9536098 (cited by Labcorp Genetics (formerly Invitae), Labcorp).

NM_001375808.2(LPIN2):c.1711-3C>T

Gene: LPIN2 (lipin 2; minus strand). Cytogenetic location: 18p11.31.
Variant type: single nucleotide variant.
Coding change: c.1711-3C>T on transcript NM_001375808.2 (MANE Select); 3 bases into the intron before coding-DNA position 1711, C replaced by T.
Molecular consequence: intron variant.
Genome position (GRCh38, 1-based): chr18:2,926,808, G>A on the plus strand (C>T on the coding strand, the complement: LPIN2 is on the minus strand). VCF-style: chr18-2926808-G-A. GRCh37 (hg19) VCF-style: chr18-2926806-G-A.
Other names: c.1711-3C>T (NM_014646.2, NM_001375809.1).
Identifiers: ClinVar variation 1430426 (VCV001430426.6), dbSNP rs753743998, ClinGen allele CA8872986.